The following is an entry in ClinVar:

ClinVar aggregate classification (germline): Likely pathogenic (1 of 4 stars; one submission).

Conditions:
DOCK2 deficiency. Also called: Immunodeficiency 40. Identifiers: Orphanet 447737, MedGen C4225328, MONDO:0014637, OMIM 616433.

Allele frequency attached by ClinVar (database versions not stated): TOPMed below 0.00001.
gnomAD v4.1: 4 of 1,613,894 alleles (0.00025%); highest among the groups gnomAD compares: African/African-American, 0.0027%; no homozygotes.

Submission:

Neuberg Centre For Genomic Medicine, NCGM
Classification: Likely pathogenic for DOCK2 deficiency. Review status: criteria provided, single submitter. Criteria: ACMG Guidelines, 2015. Collection method: clinical testing. Allele origin: germline. Inheritance: Autosomal recessive inheritance. Affected: yes.
Comment: The splice site c.1055+1G>T variant has not been reported previously as a pathogenic variant nor as a benign variant, to our knowledge. This variant has allele frequency of 0.00080% in the gnomAD and novel (not in any individuals) in 1000 genome database. Loss of function variants have been previously reported to be disease causing. For these reasons, this variant has been classified as Likely Pathogenic.

NM_004946.3(DOCK2):c.1055+1G>T

Gene: DOCK2 (dedicator of cytokinesis 2; plus strand). Cytogenetic location: 5q35.1.
Variant type: single nucleotide variant.
Coding change: c.1055+1G>T on transcript NM_004946.3 (MANE Select); the canonical splice donor site of the intron after coding-DNA position 1055, G replaced by T.
Molecular consequence: splice donor variant.
Genome position (GRCh38, 1-based): chr5:169,698,450, G>T. VCF-style: chr5-169698450-G-T. GRCh37 (hg19) VCF-style: chr5-169125454-G-T.
Identifiers: ClinVar variation 2584986 (VCV002584986.1), dbSNP rs1429834722, ClinGen allele CA362105295.